The following is an entry in ClinVar:

NM_000431.4(MVK):c.340_344del (p.Tyr114fs)

Gene: MVK (mevalonate kinase; plus strand). Cytogenetic location: 12q24.11.
Variant type: Deletion.
Coding change: c.340_344del on transcript NM_000431.4 (MANE Select); coding-DNA positions 340 to 344, 5 bases deleted (TACTT; older notation c.340_344delTACTT).
Protein change: p.Tyr114fs; shifts the reading frame from tyrosine 114.
Molecular consequence: frameshift variant.
Genome position (GRCh38, 1-based): chr12:109,579,915-109,579,919, TACTT deleted; deleting any 5 consecutive bases within chr12:109,579,912-109,579,919 gives the same sequence; the c. name uses the placement nearest the transcript's 3' end. VCF-style (leftmost placement, unchanged base first): chr12-109579911-TCTTTA-T. GRCh37 (hg19) VCF-style: chr12-110017716-TCTTTA-T.
Other names: c.340_344del, p.Tyr114fs (NM_001114185.3, NM_001301182.2); short protein forms Y114fs.
Identifiers: ClinVar variation 97580 (VCV000097580.3), dbSNP rs104895370, ClinGen allele CA149811.

ClinVar aggregate classification (germline): Pathogenic. Review status: criteria provided, multiple submitters, no conflicts (2 of 4 stars). 3 submissions from 3 submitters: Pathogenic (2). 1 of the submissions does not count toward it. Last evaluated 2026-01-01.

Conditions:
Deficiency of mevalonate kinase. Also called: Mevalonate kinase deficiency. Identifiers: Orphanet 309025, MedGen C0342731, MONDO:0017708.
Porokeratosis 3, disseminated superficial actinic type (POROK3). Also called: POROKERATOSIS, DISSEMINATED SUPERFICIAL ACTINIC, 1; POROKERATOSIS 3, MULTIPLE TYPES; POROKERATOSIS 3, MIBELLI TYPE. Identifiers: MedGen C1867981, MONDO:0008293, OMIM 175900.
Mevalonic aciduria (MEVA). Identifiers: Orphanet 29, MedGen C1959626, MONDO:0012481, OMIM 610377.
Hyperimmunoglobulin D with periodic fever (HIDS). Also called: Hyperimmunoglobulinemia D with periodic fever; HYPERIMMUNOGLOBULINEMIA D AND PERIODIC FEVER SYNDROME; Hyperimmunoglobulinemia D. Identifiers: Orphanet 343, MedGen C0398691, MONDO:0009849, OMIM 260920.

Submissions (3):

Myriad Genetics, Inc.
Classification: Pathogenic for Deficiency of mevalonate kinase. Last evaluated: 2026-01-01. Review status: criteria provided, single submitter. Criteria: Myriad Autosomal Dominant, Autosomal Recessive and X-Linked Classification Criteria (2023). Collection method: clinical testing. Allele origin: unknown.
Comment: NM_000431.2(MVK):c.340_344del5(Y114Ifs*71) is expected to be pathogenic in the context of mevalonate kinase deficiency. This variant is predicted to lead to an abnormal or absent protein product due to the creation of a premature termination codon in MVK, a gene where loss-of-function variants are known to be pathogenic. Please note: this variant was assessed in the context of healthy population screening.

Fulgent Genetics
Classification: Pathogenic for Porokeratosis 3, disseminated superficial actinic type; Hyperimmunoglobulin D with periodic fever; Mevalonic aciduria. Last evaluated: 2024-05-23. Review status: criteria provided, single submitter. Criteria: ACMG Guidelines, 2015. Collection method: clinical testing. Allele origin: germline.

Unité médicale des maladies autoinflammatoires, CHRU Montpellier
No classification provided. Condition: Hyperimmunoglobulin D with periodic fever. Review status: no classification provided. Collection method: not provided. Allele origin: unknown. Not counted in ClinVar's aggregate classification.
Comment: also involved in OMIM 25117